The following is an entry in ClinVar:

NM_000143.4(FH):c.555+7_555+8delinsTA

Gene: FH (fumarate hydratase; minus strand). Cytogenetic location: 1q43.
Variant type: Indel.
Coding change: c.555+7_555+8delinsTA on transcript NM_000143.4 (MANE Select); bases 7 to 8 of the intron after coding-DNA position 555, AT replaced by TA.
Molecular consequence: intron variant.
Genome position (GRCh38, 1-based): chr1:241,511,959-241,511,960, AT replaced by TA on the plus strand (AT replaced by TA on the coding strand, the reverse complement: FH is on the minus strand). VCF-style: chr1-241511959-AT-TA. GRCh37 (hg19) VCF-style: chr1-241675259-AT-TA.
Identifiers: ClinVar variation 2855432 (VCV002855432.3), dbSNP rs2527332385, ClinGen allele CA2739274052.
Genomic context (GRCh38, chr1:241,511,959, plus strand): 5'-TTTACAAGAACAATCTCAGGTATGCTTTTCAATTTATAACCAAAAAACAGCAAAGCTCAC[AT>TA]ACTGACCTGGCTTTTATTAACATGATCGTTGGGATGCACAGGTATCTTGCTGCCAAGTTC-3'

ClinVar aggregate classification (germline): Uncertain significance (1 of 4 stars; one submission).

Submission:

Labcorp Genetics (formerly Invitae), Labcorp
Classification: Uncertain significance. Last evaluated: 2023-04-12. Review status: criteria provided, single submitter. Criteria: Invitae Variant Classification Sherloc (09022015). Collection method: clinical testing. Allele origin: germline.
Comment: This sequence change falls in intron 4 of the FH gene. It does not directly change the encoded amino acid sequence of the FH protein. Information on the frequency of this variant in the gnomAD database is not available, as this variant may be reported differently in the database. This variant has not been reported in the literature in individuals affected with FH-related conditions. Experimental studies and prediction algorithms are not available or were not evaluated, and the effect of this variant on mRNA splicing is currently unknown. In summary, the available evidence is currently insufficient to determine the role of this variant in disease. Therefore, it has been classified as a Variant of Uncertain Significance.